The following is an entry in ClinVar:

ClinVar aggregate classification (germline): Uncertain significance (1 of 4 stars; one submission).

Submission:

Labcorp Genetics (formerly Invitae), Labcorp
Classification: Uncertain significance. Last evaluated: 2025-10-02. Review status: criteria provided, single submitter. Criteria: Invitae Variant Classification Sherloc (09022015). Collection method: clinical testing. Allele origin: germline.
Comment: This sequence change replaces isoleucine, which is neutral and non-polar, with asparagine, which is neutral and polar, at codon 348 of the KCNJ13 protein (p.Ile348Asn). This variant is not present in population databases (gnomAD no frequency). This variant has not been reported in the literature in individuals affected with KCNJ13-related conditions. An algorithm developed to predict the effect of missense changes on protein structure and function (PolyPhen-2) suggests that this variant is likely to be tolerated. In summary, the available evidence is currently insufficient to determine the role of this variant in disease. Therefore, it has been classified as a Variant of Uncertain Significance.

NM_002242.4(KCNJ13):c.1043T>A (p.Ile348Asn)

Genes: KCNJ13 (potassium inwardly rectifying channel subfamily J member 13; minus strand), GIGYF2 (GRB10 interacting GYF protein 2; plus strand). Cytogenetic location: 2q37.1.
Variant type: single nucleotide variant.
Coding change: c.1043T>A on transcript NM_002242.4 (MANE Select); coding-DNA position 1043, T replaced by A.
Protein change: p.Ile348Asn; replaces isoleucine 348 with asparagine.
Molecular consequence: missense variant. On other transcripts: 3 prime UTR variant (1), intron variant (4).
Genome position (GRCh38, 1-based): chr2:232,768,231, A>T on the plus strand (T>A on the coding strand, the complement: KCNJ13 is on the minus strand). VCF-style: chr2-232768231-A-T. GRCh37 (hg19) VCF-style: chr2-233632941-A-T.
Other names: c.*522T>A (NM_001172416.1); c.803T>A, p.Ile268Asn (NM_001172417.1); c.532+6795A>T (NM_001103146.3, NM_015575.4, NM_001103147.2 and 1 more transcripts); short protein forms I268N, I348N.
Identifiers: ClinVar variation 4728365 (VCV004728365.1).
Genomic context (GRCh38, chr2:232,768,231, plus strand): 5'-CATTAAAAAATGGATAAGTCTTATTCTGTCAGTCCTGTTTCAGAGATCTGAAAATTGTCA[A>T]TGCTTTGTCCATTGATGTGGATATCCAGGTCAGTCCTGTTTGGGCTTTTAGAAACCAGAG-3'
Protein context (NP_002233.2, residues 338-358): DLDIHINGQS[Ile348Asn]DNFQISETGL